The following is an entry in ClinVar:

ClinVar aggregate classification (germline): Uncertain significance (1 of 4 stars; one submission).

Conditions:
Hereditary sensory and autonomic neuropathy type 6. Also called: Neuropathy, hereditary sensory and autonomic, type VI; HSAN VI. Identifiers: Orphanet 314381, MedGen C3539003, MONDO:0013839, OMIM 614653.
Epidermolysis bullosa simplex 3, localized or generalized intermediate, with BP230 deficiency (EBS3). Also called: Epidermolysis bullosa simplex, autosomal recessive 2; Epidermolysis bullosa simplex due to BP230 deficiency. Identifiers: Orphanet 412181, MedGen C3809470, MONDO:0014180, OMIM 615425.

Allele frequency attached by ClinVar (database versions not stated): gnomAD exomes 0.00001; ExAC 0.00002.
gnomAD v4.1: 7 of 1,606,562 alleles (0.00044%); highest among the groups gnomAD compares: Non-Finnish European, 0.0006%; no homozygotes.

Submission:

Labcorp Genetics (formerly Invitae), Labcorp
Classification: Uncertain significance for Epidermolysis bullosa simplex 3, localized or generalized intermediate, with BP230 deficiency; Hereditary sensory and autonomic neuropathy type 6. Last evaluated: 2019-11-20. Review status: criteria provided, single submitter. Criteria: Invitae Variant Classification Sherloc (09022015). Collection method: clinical testing. Allele origin: germline.
Comment: In summary, the available evidence is currently insufficient to determine the role of this variant in disease. Therefore, it has been classified as a Variant of Uncertain Significance. Algorithms developed to predict the effect of missense changes on protein structure and function are either unavailable or do not agree on the potential impact of this missense change (SIFT: "Tolerated"; PolyPhen-2: "Not Available"; Align-GVGD: "Class C0"). This variant has not been reported in the literature in individuals with DST-related conditions. This variant is present in population databases (rs764679996, ExAC 0.003%). This sequence change replaces asparagine with threonine at codon 4159 of the DST protein (p.Asn4159Thr). The asparagine residue is moderately conserved and there is a small physicochemical difference between the two amino acids. The DST gene has multiple clinically relevant transcripts. This variant occurs in alternate transcript NM_015548.4, and corresponds to NM_001723.5:c.*121458A>C in the primary transcript.

NM_001374736.1(DST):c.20345A>C (p.Asn6782Thr)

Gene: DST (dystonin; minus strand). Cytogenetic location: 6p12.1.
Variant type: single nucleotide variant.
Coding change: c.20345A>C on transcript NM_001374736.1 (MANE Select); coding-DNA position 20345, A replaced by C.
Protein change: p.Asn6782Thr; replaces asparagine 6782 with threonine.
Molecular consequence: missense variant.
Genome position (GRCh38, 1-based): chr6:56,494,059, T>G on the plus strand (A>C on the coding strand, the complement: DST is on the minus strand). VCF-style: chr6-56494059-T-G. GRCh37 (hg19) VCF-style: chr6-56358857-T-G.
Other names: c.13988A>C, p.Asn4663Thr (NM_001144769.5); c.13574A>C, p.Asn4525Thr (NM_001144770.2); c.20345A>C, p.Asn6782Thr (NM_001374722.1); c.19385A>C, p.Asn6462Thr (NM_001374729.1); c.13127A>C, p.Asn4376Thr (NM_001374730.1); c.20372A>C, p.Asn6791Thr (NM_001374734.1); c.12476A>C, p.Asn4159Thr (NM_015548.5); c.13454A>C, p.Asn4485Thr (NM_183380.4); short protein forms N6782T, N6462T, N4376T, N4525T, N4159T, N4485T, N4663T, N6791T.
Identifiers: ClinVar variation 966401 (VCV000966401.6), dbSNP rs764679996, ClinGen allele CA3866775.